The following is an entry in ClinVar:

ClinVar aggregate classification (germline): Uncertain significance (1 of 4 stars; one submission).

Conditions:
Severe early-onset pulmonary alveolar proteinosis due to MARS deficiency. Also called: PULMONARY ALVEOLAR PROTEINOSIS, REUNION ISLAND; Interstitial lung and liver disease. Identifiers: Orphanet 440427, MedGen C4225400, MONDO:0014206, OMIM 615486.
Charcot-Marie-Tooth disease axonal type 2U. Also called: CHARCOT-MARIE-TOOTH NEUROPATHY, TYPE 2U; CHARCOT-MARIE-TOOTH DISEASE, AXONAL, AUTOSOMAL DOMINANT, TYPE 2U. Identifiers: Orphanet 397735, MedGen C4084821, MONDO:0014566, OMIM 616280.

Submission:

Labcorp Genetics (formerly Invitae), Labcorp
Classification: Uncertain significance for Charcot-Marie-Tooth disease axonal type 2U; Severe early-onset pulmonary alveolar proteinosis due to MARS deficiency. Last evaluated: 2023-10-08. Review status: criteria provided, single submitter. Criteria: Invitae Variant Classification Sherloc (09022015). Collection method: clinical testing. Allele origin: germline.
Comment: This sequence change replaces arginine, which is basic and polar, with leucine, which is neutral and non-polar, at codon 618 of the MARS protein (p.Arg618Leu). This variant is not present in population databases (gnomAD no frequency). This variant has not been reported in the literature in individuals affected with MARS-related conditions. An algorithm developed to predict the effect of missense changes on protein structure and function (PolyPhen-2) suggests that this variant is likely to be disruptive. In summary, the available evidence is currently insufficient to determine the role of this variant in disease. Therefore, it has been classified as a Variant of Uncertain Significance.

NM_004990.4(MARS1):c.1853G>T (p.Arg618Leu)

Gene: MARS1 (methionyl-tRNA synthetase 1; plus strand). Cytogenetic location: 12q13.3.
Variant type: single nucleotide variant.
Coding change: c.1853G>T on transcript NM_004990.4 (MANE Select); coding-DNA position 1853, G replaced by T.
Protein change: p.Arg618Leu; replaces arginine 618 with leucine.
Molecular consequence: missense variant.
Genome position (GRCh38, 1-based): chr12:57,512,850, G>T. VCF-style: chr12-57512850-G-T. GRCh37 (hg19) VCF-style: chr12-57906633-G-T.
Other names: short protein forms R618L.
Identifiers: ClinVar variation 2952687 (VCV002952687.3), dbSNP rs764548386, ClinGen allele CA385463116.